The following is an entry in ClinVar:

NM_152564.5(VPS13B):c.4803_4805dup (p.Tyr1602Ter)

Gene: VPS13B (vacuolar protein sorting 13 homolog B; plus strand). Cytogenetic location: 8q22.2.
Variant type: Duplication.
Coding change: c.4803_4805dup on transcript NM_152564.5 (MANE Select); coding-DNA positions 4803 to 4805, 3 bases duplicated (ATA; older notation c.4803_4805dupATA).
Protein change: p.Tyr1602Ter; replaces tyrosine 1602 with a stop codon.
Molecular consequence: nonsense.
Genome position (GRCh38, 1-based): chr8:99,556,507-99,556,509, ATA duplicated; duplicating any 3 consecutive bases within chr8:99,556,506-99,556,509 gives the same sequence; the c. name uses the placement nearest the transcript's 3' end. VCF-style (leftmost placement, unchanged base first): chr8-99556505-C-CAAT. GRCh37 (hg19) VCF-style: chr8-100568733-C-CAAT.
Other names: c.4878_4880dup, p.Tyr1627Ter (NM_017890.5); c.4878_4880dupATA (NM_017890.4); short protein forms Y1627*, Y1602*.
Identifiers: ClinVar variation 56670 (VCV000056670.2), dbSNP rs180177359, ClinGen allele CA264088.
Genomic context (GRCh38, chr8:99,556,505, plus strand): 5'-TACAGGAGAGCCTTGAACTTAGGAATTCTTCGAGATCCTGGATCAGAAATCGAAGACAGA[C>CAAT]AATACCAAATAGATCTGCAGTCCATCAATATTGGTACTGCACAGTGGCATCAACTAAAAC-3'

ClinVar aggregate classification (germline): Pathogenic/Likely pathogenic. Review status: no assertion criteria provided (0 of 4 stars). 2 submissions from 2 submitters: Pathogenic (1); Likely pathogenic (1).

Conditions:
Cohen syndrome (COH1). Also called: PEPPER SYNDROME; Cutis verticis gyrata, retinitis pigmentosa, and sensorineural deafness. Identifiers: Orphanet 193, MedGen C0265223, MONDO:0008999, OMIM 216550.

Submissions (2):

Juha Muilu Group; Institute for Molecular Medicine Finland (FIMM)
Classification: Likely pathogenic for Cohen syndrome. Review status: no assertion criteria provided. Collection method: not provided. Allele origin: unknown.
Comment: FinDis database variant: This variant was not found or characterized by our laboratory, data were collected from public sources: see reference
ClinVar note: Converted during submission from probable-pathogenic to Likely pathogenic.

SNPedia
Classification: Pathogenic. Review status: no assertion criteria provided. Collection method: not provided. Allele origin: germline.
ClinVar note: Converted during submission from pathogenic to Pathogenic.